The following is an entry in ClinVar:

ClinVar aggregate classification (germline): Uncertain significance. Review status: criteria provided, multiple submitters, no conflicts (2 of 4 stars). 2 submissions from 2 submitters: Uncertain significance (2). Last evaluated 2026-04-17.

Conditions:
Hereditary cancer-predisposing syndrome. Also called: Hereditary Cancer Syndrome; Hereditary neoplastic syndrome; Neoplastic Syndromes, Hereditary; Tumor predisposition. Identifiers: Orphanet 140162, MedGen C0027672, MeSH D009386, MONDO:0015356.

Submissions (2):

Dasa
Classification: Uncertain significance. Last evaluated: 2026-04-17. Review status: criteria provided, single submitter. Criteria: DASA Assertion Criteria. Collection method: clinical testing. Allele origin: germline.
Comment: NM_032043.3(BRIP1):c.2077T>A (p.Cys693Ser) is a missense variant that results in the substitution of cysteine with serine. This variant is rare in population databases. Computational prediction algorithms are consistent with a deleterious effect. The currently available literature and clinical evidence are not sufficient to establish a definitive association between this variant and the reported condition. Therefore, this variant is classified as a variant of uncertain significance.

Ambry Genetics
Classification: Uncertain significance for Hereditary cancer-predisposing syndrome. Last evaluated: 2023-11-23. Review status: criteria provided, single submitter. Criteria: Ambry Variant Classification Scheme 2023. Collection method: clinical testing. Allele origin: germline.
Comment: The p.C693S variant (also known as c.2077T>A), located in coding exon 13 of the BRIP1 gene, results from a T to A substitution at nucleotide position 2077. The cysteine at codon 693 is replaced by serine, an amino acid with dissimilar properties. This amino acid position is conserved. In addition, this alteration is predicted to be deleterious by in silico analysis. Since supporting evidence is limited at this time, the clinical significance of this alteration remains unclear.

NM_032043.3(BRIP1):c.2077T>A (p.Cys693Ser)

Gene: BRIP1 (BRCA1 interacting DNA helicase 1; minus strand). Cytogenetic location: 17q23.2.
Variant type: single nucleotide variant.
Coding change: c.2077T>A on transcript NM_032043.3 (MANE Select); coding-DNA position 2077, T replaced by A.
Protein change: p.Cys693Ser; replaces cysteine 693 with serine.
Molecular consequence: missense variant.
Genome position (GRCh38, 1-based): chr17:61,776,421, A>T on the plus strand (T>A on the coding strand, the complement: BRIP1 is on the minus strand). VCF-style: chr17-61776421-A-T. GRCh37 (hg19) VCF-style: chr17-59853782-A-T.
Other names: short protein forms C693S.
Identifiers: ClinVar variation 3228105 (VCV003228105.3), dbSNP rs2145026639, ClinGen allele CA400478045.